The following is an entry in ClinVar:

ClinVar aggregate classification (germline): Likely pathogenic (1 of 4 stars; one submission).

Conditions:
POGZ-related disorder. Also called: POGZ-related condition.

Submission:

PreventionGenetics, part of Exact Sciences
Classification: Likely pathogenic for POGZ-related condition. Last evaluated: 2024-12-22. Review status: criteria provided, single submitter. Criteria: ACMG Guidelines, 2015. Collection method: clinical testing. Allele origin: germline.
Comment: The POGZ c.2014delA variant is predicted to result in a frameshift and premature protein termination (p.Thr672Profs*11). To our knowledge, this variant has not been reported in the literature or in a large population database (gnomAD), indicating this variant is rare. Frameshift variants in POGZ are expected to be pathogenic. This variant is interpreted as likely pathogenic.

NM_015100.4(POGZ):c.2014del (p.Thr672fs)

Gene: POGZ (pogo transposable element derived with ZNF domain; minus strand). Cytogenetic location: 1q21.3.
Variant type: Deletion.
Coding change: c.2014del on transcript NM_015100.4 (MANE Select); coding-DNA position 2014, one base deleted (A; older notation c.2014delA).
Protein change: p.Thr672fs; shifts the reading frame from threonine 672.
Molecular consequence: frameshift variant.
Genome position (GRCh38, 1-based): chr1:151,408,741, T deleted on the plus strand (A on the coding strand, the reverse complement: POGZ is on the minus strand); the first of 4 consecutive T bases (chr1:151,408,741-151,408,744); deleting any one gives the same sequence. VCF-style (leftmost placement, unchanged base first): chr1-151408740-GT-G. GRCh37 (hg19) VCF-style: chr1-151381216-GT-G.
Other names: c.1987del, p.Thr663fs (NM_001194937.2); c.1828del, p.Thr610fs (NM_001194938.2); c.2035del, p.Thr679fs (NM_001410860.1); c.1729del, p.Thr577fs (NM_145796.4); c.1855del, p.Thr619fs (NM_207171.2); short protein forms T663fs, T672fs, T679fs, T619fs, T577fs, T610fs.
Identifiers: ClinVar variation 4999026 (VCV004999026.1).
Genomic context (GRCh38, chr1:151,408,740, plus strand): 5'-GGCAAACTCTTTACCTTGGTGCCTGGTTTCAAGCCCTCCAGCTGCTTGGGTTTACGGAAG[GT>G]TTTATGGTGTTGAAGCTTGTGTTCAATTTTGTCCTTGGCAAAGAGAAACTGCAGCCGGCA-3'